The following is an entry in ClinVar:

ClinVar aggregate classification (germline): Uncertain significance (1 of 4 stars; one submission).

Allele frequency attached by ClinVar (database versions not stated): TOPMed 0.00001; ExAC 0.00002; gnomAD exomes 0.00002; ESP Exome Variant Server 0.00008.
gnomAD v4.1: 33 of 1,612,584 alleles (0.002%); highest among the groups gnomAD compares: African/African-American, 0.0053%; no homozygotes.

Submission:

Labcorp Genetics (formerly Invitae), Labcorp
Classification: Uncertain significance. Last evaluated: 2023-05-23. Review status: criteria provided, single submitter. Criteria: Invitae Variant Classification Sherloc (09022015). Collection method: clinical testing. Allele origin: germline.
Comment: This variant has not been reported in the literature in individuals affected with GANAB-related conditions. This variant is present in population databases (rs140219733, gnomAD 0.007%). This sequence change replaces alanine, which is neutral and non-polar, with valine, which is neutral and non-polar, at codon 773 of the GANAB protein (p.Ala773Val). ClinVar contains an entry for this variant (Variation ID: 1919222). In summary, the available evidence is currently insufficient to determine the role of this variant in disease. Therefore, it has been classified as a Variant of Uncertain Significance. Advanced modeling of protein sequence and biophysical properties (such as structural, functional, and spatial information, amino acid conservation, physicochemical variation, residue mobility, and thermodynamic stability) performed at Invitae indicates that this missense variant is not expected to disrupt GANAB protein function.

NM_198334.3(GANAB):c.2252C>T (p.Ala751Val)

Gene: GANAB (glucosidase II alpha subunit; minus strand). Cytogenetic location: 11q12.3.
Variant type: single nucleotide variant.
Coding change: c.2252C>T on transcript NM_198334.3 (MANE Select); coding-DNA position 2252, C replaced by T.
Protein change: p.Ala751Val; replaces alanine 751 with valine.
Molecular consequence: missense variant.
Genome position (GRCh38, 1-based): chr11:62,627,118, G>A on the plus strand (C>T on the coding strand, the complement: GANAB is on the minus strand). VCF-style: chr11-62627118-G-A. GRCh37 (hg19) VCF-style: chr11-62394590-G-A.
Other names: c.1976C>T, p.Ala659Val (NM_001278192.2); c.1910C>T, p.Ala637Val (NM_001278193.2); c.1961C>T, p.Ala654Val (NM_001278194.2, NM_001329222.2, NM_001329223.2); c.1529C>T, p.Ala510Val (NM_001329224.2, NM_001329225.2); c.2318C>T, p.Ala773Val (NM_198335.4); short protein forms A510V, A773V, A751V, A637V, A654V, A659V.
Identifiers: ClinVar variation 1919222 (VCV001919222.5), dbSNP rs140219733, ClinGen allele CA6050525.